The following is an entry in ClinVar:

ClinVar aggregate classification (germline): Uncertain significance. Review status: criteria provided, multiple submitters, no conflicts (2 of 4 stars). 4 submissions from 4 submitters: Uncertain significance (4). Last evaluated 2026-09-09.

Conditions:
Inborn genetic diseases. Identifiers: MedGen C0950123, MeSH D030342.
Developmental and epileptic encephalopathy, 32 (DEE32). Also called: Epileptic encephalopathy, early infantile, 32. Identifiers: Orphanet 442835, MedGen C4225350, MONDO:0014607, OMIM 616366.

Allele frequency attached by ClinVar (database versions not stated): gnomAD exomes below 0.00001; gnomAD 0.00001.
gnomAD v4.1: 2 of 1,614,078 alleles (0.00012%); highest among the groups gnomAD compares: Non-Finnish European, 0.000085%; no homozygotes.

Submissions (4):

Ambry Genetics
Classification: Uncertain significance for Inborn genetic diseases. Last evaluated: 2026-09-09. Review status: criteria provided, single submitter. Criteria: Ambry Variant Classification Scheme 2023. Collection method: clinical testing. Allele origin: germline.

Labcorp Genetics (formerly Invitae), Labcorp
Classification: Uncertain significance for Developmental and epileptic encephalopathy, 32. Last evaluated: 2024-10-23. Review status: criteria provided, single submitter. Criteria: Invitae Variant Classification Sherloc (09022015). Collection method: clinical testing. Allele origin: germline.
Comment: This sequence change replaces arginine, which is basic and polar, with glutamine, which is neutral and polar, at codon 65 of the KCNA2 protein (p.Arg65Gln). This variant is not present in population databases (gnomAD no frequency). This variant has not been reported in the literature in individuals affected with KCNA2-related conditions. ClinVar contains an entry for this variant (Variation ID: 1006374). Invitae Evidence Modeling of protein sequence and biophysical properties (such as structural, functional, and spatial information, amino acid conservation, physicochemical variation, residue mobility, and thermodynamic stability) has been performed for this missense variant. However, the output from this modeling did not meet the statistical confidence thresholds required to predict the impact of this variant on KCNA2 protein function. In summary, the available evidence is currently insufficient to determine the role of this variant in disease. Therefore, it has been classified as a Variant of Uncertain Significance.

GeneDx
Classification: Uncertain significance. Last evaluated: 2020-10-02. Review status: criteria provided, single submitter. Criteria: GeneDx Variant Classification Process June 2021. Collection method: clinical testing. Allele origin: germline. Affected: yes.
Comment: Not observed in large population cohorts (Lek et al., 2016); In silico analysis, which includes protein predictors and evolutionary conservation, supports a deleterious effect; Has not been previously published as pathogenic or benign to our knowledge

Institute for Medical Genetics and Human Genetics, Charité - Universitätsmedizin Berlin
Classification: Uncertain significance for Developmental and epileptic encephalopathy, 32. Review status: criteria provided, single submitter. Criteria: ACMG Guidelines, 2015. Collection method: not provided. Allele origin: germline. Inheritance: Autosomal dominant inheritance. Affected: yes.

NM_004974.4(KCNA2):c.194G>A (p.Arg65Gln)

Gene: KCNA2 (potassium voltage-gated channel subfamily A member 2; minus strand). Cytogenetic location: 1p13.3.
Variant type: single nucleotide variant.
Coding change: c.194G>A on transcript NM_004974.4 (MANE Select); coding-DNA position 194, G replaced by A.
Protein change: p.Arg65Gln; replaces arginine 65 with glutamine.
Molecular consequence: missense variant.
Genome position (GRCh38, 1-based): chr1:110,604,589, C>T on the plus strand (G>A on the coding strand, the complement: KCNA2 is on the minus strand). VCF-style: chr1-110604589-C-T. GRCh37 (hg19) VCF-style: chr1-111147211-C-T.
Other names: c.194G>A, p.Arg65Gln (NM_001204269.2); short protein forms R65Q.
Identifiers: ClinVar variation 1006374 (VCV001006374.15), dbSNP rs1649516324, ClinGen allele CA341606461.